The following is an entry in ClinVar:

ClinVar aggregate classification (germline): Uncertain significance (1 of 4 stars; one submission).

Conditions:
Alport syndrome. Also called: Hemorrhagic familial nephritis; Hemorrhagic hereditary nephritis; Congenital hereditary hematuria. Identifiers: Orphanet 63, MedGen C1567741, MONDO:0018965.

Submission:

Victorian Clinical Genetics Services, Murdoch Childrens Research Institute
Classification: Uncertain significance for Alport syndrome. Last evaluated: 2020-05-25. Review status: criteria provided, single submitter. Criteria: ACMG Guidelines, 2015. Collection method: clinical testing. Allele origin: germline. Affected: yes.
Comment: Based on the classification scheme VCGS_Germline_v1.1.1, this variant is classified as 3B-VUS. Following criteria are met: 0102 - Loss-of-function is a known mechanism of disease for this gene. (N) 0104 - Dominant Negative is a mechanism of disease for this gene. (N) 0108 - This gene is known to be associated with both recessive and dominant disease. (N) 0200 - Variant is predicted to result in a missense amino acid change from cysteine to glycine (exon 28). (N) 0251 - Variant is heterozygous. (N) 0301 - Variant is absent from gnomAD. (P) 0309 - Alternative amino acid changes at the same position have been observed in gnomAD (p.(Cys682Arg): 1 heterozygote, 0 homozygotes; p.(Cys682Tyr): 1 heterozygote, 0 homozygotes). (N) 0502 - Missense variant with conflicting in silico predictions and/or uninformative conservation. (N) 0600 - Variant is located in an annotated domain or motif (Gly-X-Y motif in triple helical region; PDB). (N) 0705 - No comparable variants have previous evidence for pathogenicity. (N) 0807 - Variant has not previously been reported in a clinical context. (N) 0905 - No segregation evidence has been identified for this variant. (N) 1007 - No published functional evidence has been identified for this variant. (N) 1208 - Inheritance information for this variant is not currently available. (N) Legend: (P) - Pathogenic, (N) - Neutral, (B) - Benign

NM_000091.5(COL4A3):c.2044T>G (p.Cys682Gly)

Genes: COL4A3 (collagen type IV alpha 3 chain; plus strand), MFF-DT (MFF divergent transcript; minus strand). Cytogenetic location: 2q36.3.
Variant type: single nucleotide variant.
Coding change: c.2044T>G on transcript NM_000091.5 (MANE Select); coding-DNA position 2044, T replaced by G.
Protein change: p.Cys682Gly; replaces cysteine 682 with glycine.
Molecular consequence: missense variant.
Genome position (GRCh38, 1-based): chr2:227,277,472, T>G. VCF-style: chr2-227277472-T-G. GRCh37 (hg19) VCF-style: chr2-228142188-T-G.
Other names: short protein forms C682G.
Identifiers: ClinVar variation 3377379 (VCV003377379.1).